The following is an entry in ClinVar:

NM_000238.4(KCNH2):c.571C>G (p.Pro191Ala)

Gene: KCNH2 (potassium voltage-gated channel subfamily H member 2; minus strand). Cytogenetic location: 7q36.1.
Variant type: single nucleotide variant.
Coding change: c.571C>G on transcript NM_000238.4 (MANE Select); coding-DNA position 571, C replaced by G.
Protein change: p.Pro191Ala; replaces proline 191 with alanine.
Molecular consequence: missense variant.
Genome position (GRCh38, 1-based): chr7:150,958,404, G>C on the plus strand (C>G on the coding strand, the complement: KCNH2 is on the minus strand). VCF-style: chr7-150958404-G-C. GRCh37 (hg19) VCF-style: chr7-150655492-G-C.
Other names: c.283C>G, p.Pro95Ala (NM_001406753.1, NM_001406756.1); c.394C>G, p.Pro132Ala (NM_001406755.1); c.271C>G, p.Pro91Ala (NM_001406757.1); c.571C>G, p.Pro191Ala (NM_172056.3); short protein forms P132A, P91A, P191A, P95A.
Identifiers: ClinVar variation 1749273 (VCV001749273.2), dbSNP rs1418669823, ClinGen allele CA369863266.

ClinVar aggregate classification (germline): Uncertain significance (1 of 4 stars; one submission).

Conditions:
Cardiovascular phenotype. Identifiers: MedGen CN230736.

Submission:

Ambry Genetics
Classification: Uncertain significance for Cardiovascular phenotype. Last evaluated: 2021-10-27. Review status: criteria provided, single submitter. Criteria: Ambry Variant Classification Scheme 2023. Collection method: clinical testing. Allele origin: germline.
Comment: The p.P191A variant (also known as c.571C>G), located in coding exon 4 of the KCNH2 gene, results from a C to G substitution at nucleotide position 571. The proline at codon 191 is replaced by alanine, an amino acid with highly similar properties. This amino acid position is well conserved in available vertebrate species. In addition, the in silico prediction for this alteration is inconclusive. Since supporting evidence is limited at this time, the clinical significance of this alteration remains unclear.